The following is an entry in ClinVar:

ClinVar aggregate classification (germline): Uncertain significance (1 of 4 stars; one submission).

Submission:

Labcorp Genetics (formerly Invitae), Labcorp
Classification: Uncertain significance. Last evaluated: 2023-11-21. Review status: criteria provided, single submitter. Criteria: Invitae Variant Classification Sherloc (09022015). Collection method: clinical testing. Allele origin: germline.
Comment: This sequence change replaces glutamic acid, which is acidic and polar, with lysine, which is basic and polar, at codon 277 of the CTNNA1 protein (p.Glu277Lys). This variant is not present in population databases (gnomAD no frequency). This variant has not been reported in the literature in individuals affected with CTNNA1-related conditions. Advanced modeling of protein sequence and biophysical properties (such as structural, functional, and spatial information, amino acid conservation, physicochemical variation, residue mobility, and thermodynamic stability) performed at Invitae indicates that this missense variant is not expected to disrupt CTNNA1 protein function with a negative predictive value of 80%. In summary, the available evidence is currently insufficient to determine the role of this variant in disease. Therefore, it has been classified as a Variant of Uncertain Significance.

NM_001903.5(CTNNA1):c.829G>A (p.Glu277Lys)

Gene: CTNNA1 (catenin alpha 1; plus strand). Cytogenetic location: 5q31.2.
Variant type: single nucleotide variant.
Coding change: c.829G>A on transcript NM_001903.5 (MANE Select); coding-DNA position 829, G replaced by A.
Protein change: p.Glu277Lys; replaces glutamic acid 277 with lysine.
Molecular consequence: missense variant.
Genome position (GRCh38, 1-based): chr5:138,824,770, G>A. VCF-style: chr5-138824770-G-A. GRCh37 (hg19) VCF-style: chr5-138160459-G-A.
Other names: c.829G>A, p.Glu277Lys (NM_001290307.3, NM_001323982.2, NM_001323983.1 and 3 more transcripts); c.520G>A, p.Glu174Lys (NM_001290309.3); c.460G>A, p.Glu154Lys (NM_001290310.3); short protein forms E174K, E154K, E277K.
Identifiers: ClinVar variation 2874780 (VCV002874780.3), dbSNP rs2149776679, ClinGen allele CA361130206.